The following is an entry in ClinVar:

ClinVar aggregate classification (germline): Benign/Likely benign. Review status: criteria provided, multiple submitters, no conflicts (2 of 4 stars). 13 submissions from 13 submitters: Benign (7); Likely benign (3). 3 of the submissions do not count toward it. Last evaluated 2026-02-02.

Conditions:
Cardiovascular phenotype. Identifiers: MedGen CN230736.
Congenital total pulmonary venous return anomaly (TAPVR1). Also called: TOTAL ANOMALOUS PULMONARY VENOUS RETURN 1; Total anomalous pulmonary venous return. Identifiers: Orphanet 99125, MedGen C4551903, MONDO:0007130, OMIM 106700, HP:0005160.
Long QT syndrome (LQTS). Identifiers: MedGen C0023976, MeSH D008133, MONDO:0002442. Disease mechanism: loss of function. Inheritance: Various modes of inheritance.
Cardiomyopathy (CMYO). Also called: Cardiomyopathies. Identifiers: Orphanet 167848, MedGen C0878544, MONDO:0004994, HP:0001638. Inheritance: Various modes of inheritance.
ANKRD1-related dilated cardiomyopathy. Identifiers: MedGen CN119551.
Primary dilated cardiomyopathy (DCM). Also called: Dilated Cardiomyopathy. Identifiers: Orphanet 217604, MedGen C0007193, MeSH D002311, MONDO:0005021, HP:0001644. Inheritance: Various modes of inheritance.

Allele frequency attached by ClinVar (database versions not stated): gnomAD exomes 0.00089; ExAC 0.00110; 1000 Genomes Project 30x 0.00344; ESP Exome Variant Server 0.00346; 1000 Genomes Project 0.00359; gnomAD 0.00360 and 0.00387; TOPMed 0.00383.
gnomAD v4.1: 1,059 of 1,614,092 alleles (0.066%); highest among the groups gnomAD compares: African/African-American, 1.2%; 9 homozygotes.

Submissions (13):

Labcorp Genetics (formerly Invitae), Labcorp
Classification: Benign for ANKRD1-related dilated cardiomyopathy. Last evaluated: 2026-02-02. Review status: criteria provided, single submitter. Criteria: Invitae Variant Classification Sherloc (09022015). Collection method: clinical testing. Allele origin: germline.

Center for Advanced Laboratory Medicine, UC San Diego Health, University of California San Diego
Classification: Benign for Long QT Syndrome. Last evaluated: 2018-05-15. Review status: criteria provided, single submitter. Criteria: ACMG Guidelines, 2015. Collection method: clinical testing. Allele origin: germline. Affected: yes. Observed: 1 variant allele.

Illumina Laboratory Services, Illumina
Classification: Likely benign for Primary dilated cardiomyopathy. Last evaluated: 2018-01-13. Review status: criteria provided, single submitter. Criteria: ICSL Variant Classification Criteria 13 December 2019. Collection method: clinical testing. Allele origin: germline.
Comment: This variant was observed in the ICSL laboratory as part of a predisposition screen in an ostensibly healthy population. It had not been previously curated by ICSL or reported in the Human Gene Mutation Database (HGMD: prior to June 1st, 2018), and was therefore a candidate for classification through an automated scoring system. Utilizing variant allele frequency, disease prevalence and penetrance estimates, and inheritance mode, an automated score was calculated to assess if this variant is too frequent to cause the disease. Based on the score and internal cut-off values, a variant classified as likely benign is not then subjected to further curation. The score for this variant resulted in a classification of likely benign for this disease.

Women's Health and Genetics/Laboratory Corporation of America, LabCorp
Classification: Benign. Last evaluated: 2017-08-02. Review status: criteria provided, single submitter. Criteria: LabCorp Variant Classification Summary - May 2015. Collection method: clinical testing. Allele origin: germline.
Comment: Variant summary: The ANKRD1 c.148G>C (p.Ala50Pro) variant involves the alteration of a non-conserved nucleotide. 3/4 in silico tools predict a benign outcome for this variant (SNPsandGO not captured due to low reliability index). This variant was found in 133/121396 control chromosomes (2 homozygotes), predominantly observed in the African subpopulation at a frequency of 0.01182 (123/10406). This frequency is about 344 times the estimated maximal expected allele frequency of a pathogenic ANKRD1 variant (0.0000344), suggesting this is likely a benign polymorphism found primarily in the populations of African origin. In addition, multiple clinical diagnostic laboratories in ClinVar have classified this variant as benign. To our knowledge, this variant has not been reported in affected individuals via publications. Taken together, this variant is classified as benign.

CHEO Genetics Diagnostic Laboratory, Children's Hospital of Eastern Ontario
Classification: Benign for Cardiomyopathy. Last evaluated: 2016-10-12. Review status: criteria provided, single submitter. Criteria: ACMG Guidelines, 2015. Collection method: clinical testing. Allele origin: germline. Study: Canadian Open Genetics Repository.

Ambry Genetics
Classification: Benign for Cardiovascular phenotype. Last evaluated: 2015-10-22. Review status: criteria provided, single submitter. Criteria: Ambry Variant Classification Scheme 2023. Collection method: clinical testing. Allele origin: germline.

Laboratory for Molecular Medicine, Mass General Brigham Personalized Medicine
Classification: Benign. Last evaluated: 2015-06-10. Review status: criteria provided, single submitter. Criteria: LMM Criteria. Collection method: clinical testing. Allele origin: germline. Observed: 5 variant alleles.
Comment: p.Ala50Pro in exon 2 of ANKRD1: This variant is not expected to have clinical si gnificance because it has been identified in 1.2% (123/10406) of African chromos omes by the Exome Aggregation Consortium (ExAC; dbSNP rs28730751).

GeneDx
Classification: Benign. Last evaluated: 2013-07-09. Review status: criteria provided, single submitter. Criteria: GeneDx Variant Classification (06012015). Collection method: clinical testing. Allele origin: germline. Affected: yes.
Comment: This variant is considered likely benign or benign based on one or more of the following criteria: it is a conservative change, it occurs at a poorly conserved position in the protein, it is predicted to be benign by multiple in silico algorithms, and/or has population frequency not consistent with disease.

Breakthrough Genomics
Classification: Likely benign. Review status: criteria provided, single submitter. Criteria: ACMG Guidelines, 2015. Collection method: not provided. Allele origin: germline. Inheritance: Unknown mechanism. Affected: yes.

Molecular Diagnostic Laboratory for Inherited Cardiovascular Disease, Montreal Heart Institute
Classification: Likely benign. Review status: criteria provided, single submitter. Criteria: ACMG Guidelines, 2015. Collection method: clinical testing. Allele origin: germline. Affected: yes.

Clinical Genetics, Academic Medical Center
Classification: Benign. Review status: no assertion criteria provided. Collection method: clinical testing. Allele origin: germline. Affected: yes. Study: VKGL Data-share Consensus. Not counted in ClinVar's aggregate classification.

Diagnostic Laboratory, Department of Genetics, University Medical Center Groningen
Classification: Benign for Congenital total pulmonary venous return anomaly. Review status: no assertion criteria provided. Collection method: clinical testing. Allele origin: germline. Affected: yes. Study: VKGL Data-share Consensus. Not counted in ClinVar's aggregate classification.

Joint Genome Diagnostic Labs from Nijmegen and Maastricht, Radboudumc and MUMC+
Classification: Benign. Review status: no assertion criteria provided. Collection method: clinical testing. Allele origin: germline. Affected: yes. Study: VKGL Data-share Consensus. Not counted in ClinVar's aggregate classification.

NM_014391.3(ANKRD1):c.148G>C (p.Ala50Pro)

Gene: ANKRD1 (ankyrin repeat domain 1; minus strand). Cytogenetic location: 10q23.31.
Variant type: single nucleotide variant.
Coding change: c.148G>C on transcript NM_014391.3 (MANE Select); coding-DNA position 148, G replaced by C.
Protein change: p.Ala50Pro; replaces alanine 50 with proline.
Molecular consequence: missense variant.
Genome position (GRCh38, 1-based): chr10:90,920,228, C>G on the plus strand (G>C on the coding strand, the complement: ANKRD1 is on the minus strand). VCF-style: chr10-90920228-C-G. GRCh37 (hg19) VCF-style: chr10-92679985-C-G.
Other names: p.A50P:GCC>CCC; short protein forms A50P.
Identifiers: ClinVar variation 45625 (VCV000045625.32), dbSNP rs28730751, ClinGen allele CA136820.